The following is an entry in ClinVar:

NM_022168.4(IFIH1):c.1641+1G>C

Gene: IFIH1 (interferon induced with helicase C domain 1; minus strand). Cytogenetic location: 2q24.2.
Variant type: single nucleotide variant.
Coding change: c.1641+1G>C on transcript NM_022168.4 (MANE Select); the canonical splice donor site of the intron after coding-DNA position 1641, G replaced by C.
Molecular consequence: splice donor variant.
Genome position (GRCh38, 1-based): chr2:162,279,995, C>G on the plus strand (G>C on the coding strand, the complement: IFIH1 is on the minus strand). VCF-style: chr2-162279995-C-G. GRCh37 (hg19) VCF-style: chr2-163136505-C-G.
Identifiers: ClinVar variation 261563 (VCV000261563.60), dbSNP rs35337543, ClinGen allele CA1934468.

ClinVar aggregate classification (germline): Conflicting classifications of pathogenicity. Review status: criteria provided, conflicting classifications (1 of 4 stars). 15 submissions from 11 submitters: Uncertain significance (6); Benign (4); Likely benign (1). 4 of the submissions do not count toward it. Last evaluated 2026-07-01.

Conditions:
Immunodeficiency 95 (IMD95). Identifiers: MedGen C5676929, MONDO:0030692, OMIM 619773.
Singleton-Merten syndrome 1 (SGMRT1). Also called: Widened medullary cavities of bone, aortic calcification, abnormal dentition, and muscular weakness; Syndrome of widened medullary cavities of the metacarpals and phalanges, aortic calcification and abnormal dentition. Identifiers: Orphanet 85191, MedGen C4225427, MONDO:0024535, OMIM 182250.
Aicardi-Goutieres syndrome 7 (AGS7). Identifiers: Orphanet 51, MedGen C3888244, MONDO:0014367, OMIM 615846.
Susceptibility to severe COVID-19.
Multisystem inflammatory syndrome in children. Identifiers: MedGen C5391534.

Allele frequency attached by ClinVar (database versions not stated): 1000 Genomes Project 0.00559; 1000 Genomes Project 30x 0.00640; gnomAD 0.00707 and 0.00728; TOPMed 0.00799; ESP Exome Variant Server 0.00815.
gnomAD v4.1: 16,284 of 1,511,626 alleles (1.1%); highest among the groups gnomAD compares: Non-Finnish European, 1.4%; 122 homozygotes.

Submissions 1 to 11 of 85:

CeGaT Center for Human Genetics Tuebingen
Classification: Benign. Last evaluated: 2026-07-01. Review status: criteria provided, single submitter. Criteria: CeGaT Center For Human Genetics Tuebingen Variant Classification Criteria Version 2. Collection method: clinical testing. Allele origin: germline. Affected: yes. Observed: 39 variant alleles.
Comment: IFIH1: BS1, BS2

Labcorp Genetics (formerly Invitae), Labcorp
Classification: Benign for Aicardi-Goutieres syndrome 7; Singleton-Merten syndrome 1. Last evaluated: 2026-02-04. Review status: criteria provided, single submitter. Criteria: Invitae Variant Classification Sherloc (09022015). Collection method: clinical testing. Allele origin: germline.

Genomic Medicine Center of Excellence, King Faisal Specialist Hospital and Research Centre
Classification: Uncertain significance for Immunodeficiency 95. Last evaluated: 2025-09-10. Review status: criteria provided, single submitter. Criteria: ACMG Guidelines, 2015. Collection method: clinical testing. Allele origin: germline.

Mayo Clinic Laboratories, Mayo Clinic
Classification: Uncertain significance. Last evaluated: 2025-06-05. Review status: criteria provided, single submitter. Criteria: ACMG Guidelines, 2015. Collection method: clinical testing. Allele origin: germline. Observed: 9 variant alleles.
Comment: BS1, BS2, PP3, PS3_supporting

Women's Health and Genetics/Laboratory Corporation of America, LabCorp
Classification: Benign. Last evaluated: 2025-02-28. Review status: criteria provided, single submitter. Criteria: LabCorp Variant Classification Summary - May 2015. Collection method: clinical testing. Allele origin: germline.
Comment: Variant summary: IFIH1 c.1641+1G>C is located in a canonical splice-site and is predicted to affect mRNA splicing resulting in a significantly altered protein due to either exon skipping, shortening, or inclusion of intronic material. Variants that disrupt the consensus splice site are a relatively common cause of aberrant splicing, however current evidence is not sufficient to establish loss of function as a mechanism for disease. Several computational tools predict a significant impact on normal splicing: One predict the variant abolishes a 5' splicing donor site. However, these predictions have yet to be confirmed by functional studies. The variant allele was found at a frequency of 0.0068 in 249994 control chromosomes in the gnomAD database, including 7 homozygotes. The observed variant frequency is approximately 7000 fold of the estimated maximal expected allele frequency for a pathogenic variant in IFIH1 causing Singleton-Merten syndrome 1 phenotype (1e-06). To our knowledge, no occurrence of c.1641+1G>C in individuals affected with Singleton-Merten syndrome 1 and no experimental evidence demonstrating its impact on protein function have been reported. ClinVar contains an entry for this variant (Variation ID: 261563). Based on the evidence outlined above, the variant was classified as benign.

Blueprint Genetics
Classification: Likely benign. Last evaluated: 2024-11-26. Review status: criteria provided, single submitter. Criteria: ACMG Guidelines, 2015. Collection method: clinical testing. Allele origin: germline.

Clinical Genomics Laboratory, Washington University in St. Louis
Classification: Uncertain significance for Immunodeficiency 95. Last evaluated: 2024-01-05. Review status: criteria provided, single submitter. Criteria: ACMG Guidelines, 2015. Collection method: clinical testing. Allele origin: germline.
Comment: The IFIH1 c.1641+1G>C variant has been reported in three unrelated individuals that required noninvasive ventilatory support for respiratory syncytial virus bronchiolitis (Asgari S et al., PMID: 28716935). This variant occurs within the canonical splice donor site, which is predicted to cause skipping of the eighth exon, leading to an in-frame transcript. The highest population minor allele frequency in the population database genome aggregation database (v.2.1.1) is 1.07% in the European non-Finnish population. This variant has been reported in the ClinVar database as a germline variant of uncertain significance for Immunodeficiency 95 and benign for Aicardi-Goutieres syndrome 7 and Singleton-Merten syndrome 1. Due to limited information, and based on ACMG/AMP guidelines for variant interpretation (Richards S et al., PMID: 25741868), the clinical significance of this variant is uncertain at this time.

Center for Genomics, Ann and Robert H. Lurie Children's Hospital of Chicago
Classification: Uncertain significance for Immunodeficiency 95; Aicardi-Goutieres syndrome 7; Singleton-Merten syndrome 1. Last evaluated: 2022-10-13. Review status: criteria provided, single submitter. Criteria: ACMG Guidelines, 2015. Collection method: clinical testing. Allele origin: germline.
Comment: IFIH1 NM_022168.3 exon 8 c.1641+1G>C: This variant has not been reported in the literature in association with traditional Mendelian disease, but has been reported as heterozygous in 3 healthy children who were hospitalized due to viral infection (Asgari 2017 PMID:28716935). This variant is present in 1% (1362/125804) of European alleles, including 7 homozygotes in the Genome Aggregation Database. This variant is present in ClinVar (Variation ID:261563) with at least 2 labs classifying this variant as Benign. Evolutionary conservation and computational predictive tools for this variant are limited or unavailable. Of note, this variant alters the consensus splice sequence (+/- 1,2) which is predicted to result in an absent or abnormal protein. However, there is limited evidence for this gene and to support loss of function (LOF) as a known disease mechanism. In vitro functional studies suggest that this variant will impact the protein by causing an in-frame loss of 39 amino acids and the skipping of exon 8; thus potentially disrupting signaling function, enzymatic activity and protein stability (Asgari 2017 PMID:28716935). However, these studies may not accurately represent in vivo biological function. In summary, data on this variant is insufficient for disease classification. Therefore, the clinical significance of this variant is uncertain.

Center for Genomics, Ann and Robert H. Lurie Children's Hospital of Chicago
Classification: Uncertain significance for Aicardi-Goutieres syndrome 7; Singleton-Merten syndrome 1. Last evaluated: 2021-06-14. Review status: criteria provided, single submitter. Criteria: ACMG Guidelines, 2015. Collection method: clinical testing. Allele origin: germline.
Comment: IFIH1 NM_022168.3 intron 8 c.1641+1G>C: This variant has not been reported in the literature in association with traditional Mendelian disease, but has been reported as heterozygous in 3 healthy children who were hospitalized due to viral infection (Asgari 2017 PMID:28716935). This variant is present in 1% (745/67940) of European alleles, including 4 homozygotes in the Genome Aggregation Database (. This variant is present in ClinVar (Variation ID:261563) with at least 2 labs classifying this variant as Benign. Evolutionary conservation and computational predictive tools for this variant are limited or unavailable. Of note, this variant alters the consensus splice sequence (+/- 1,2) which is predicted to result in an absent or abnormal protein. However, there is limited evidence for this gene and to support loss of function (LOF) as a known disease mechanism. In vitro functional studies suggest that this variant will impact the protein by causing an in-frame loss of 39 amino acids and the skipping of exon 8; thus potentially disrupting signaling function, enzymatic activity and protein stability (Asgari 2017 PMID:28716935). However, these studies may not accurately represent in vivo biological function. In summary, data on this variant is insufficient for disease classification. Therefore, the clinical significance of this variant is uncertain.

Dubai Health Genomic Medicine Center, Dubai Health
Classification: Uncertain significance for Aicardi-Goutieres syndrome 7. Last evaluated: 2020-10-04. Review status: criteria provided, single submitter. Criteria: ACMG Guidelines, 2015. Collection method: clinical testing. Allele origin: germline. Affected: yes.

PreventionGenetics, part of Exact Sciences
Classification: Benign. Review status: criteria provided, single submitter. Criteria: ACMG Guidelines, 2015. Collection method: clinical testing. Allele origin: germline.